The following is an entry in ClinVar:

ClinVar aggregate classification (germline): Benign/Likely benign. Review status: criteria provided, multiple submitters, no conflicts (2 of 4 stars). 6 submissions from 6 submitters: Benign (3); Likely benign (3). Last evaluated 2025-12-31.

Conditions:
Cardiomyopathy (CMYO). Also called: Cardiomyopathies. Identifiers: Orphanet 167848, MedGen C0878544, MONDO:0004994, HP:0001638. Inheritance: Various modes of inheritance.
Catecholaminergic polymorphic ventricular tachycardia 1. Also called: RYR2-Related Catecholaminergic Polymorphic Ventricular Tachycardia; VENTRICULAR TACHYCARDIA, STRESS-INDUCED POLYMORPHIC 1; VENTRICULAR TACHYCARDIA, CATECHOLAMINERGIC POLYMORPHIC, 1, WITH OR WITHOUT ATRIAL DYSFUNCTION AND/OR DILATED CARDIOMYOPATHY. Identifiers: Orphanet 3286, MedGen C1631597, MONDO:0011484, OMIM 604772.
Cardiovascular phenotype. Identifiers: MedGen CN230736.

Submissions (6):

Labcorp Genetics (formerly Invitae), Labcorp
Classification: Benign for Catecholaminergic polymorphic ventricular tachycardia 1. Last evaluated: 2025-12-31. Review status: criteria provided, single submitter. Criteria: Invitae Variant Classification Sherloc (09022015). Collection method: clinical testing. Allele origin: germline.

CeGaT Center for Human Genetics Tuebingen
Classification: Likely benign. Last evaluated: 2024-04-01. Review status: criteria provided, single submitter. Criteria: CeGaT Center For Human Genetics Tuebingen Variant Classification Criteria Version 2. Collection method: clinical testing. Allele origin: germline. Affected: yes. Observed: 1 variant allele.
Comment: RYR2: BS1

Blueprint Genetics
Classification: Likely benign. Last evaluated: 2023-11-16. Review status: criteria provided, single submitter. Criteria: ACMG Guidelines, 2015. Collection method: clinical testing. Allele origin: germline.

Ambry Genetics
Classification: Likely benign for Cardiovascular phenotype. Last evaluated: 2022-03-01. Review status: criteria provided, single submitter. Criteria: Ambry Variant Classification Scheme 2023. Collection method: clinical testing. Allele origin: germline.

Color Diagnostics, LLC DBA Color Health
Classification: Benign for Cardiomyopathy. Last evaluated: 2018-11-11. Review status: criteria provided, single submitter. Criteria: ACMG Guidelines, 2015. Collection method: clinical testing. Allele origin: germline.

GeneDx
Classification: Benign. Last evaluated: 2016-06-20. Review status: criteria provided, single submitter. Criteria: GeneDx Variant Classification Process June 2021. Collection method: clinical testing. Allele origin: germline. Affected: yes.

NM_001035.3(RYR2):c.2613+5_2613+6insTTGC

Gene: RYR2 (ryanodine receptor 2; plus strand). Cytogenetic location: 1q43.
Variant type: Insertion.
Coding change: c.2613+5_2613+6insTTGC on transcript NM_001035.3 (MANE Select); bases 5 to 6 of the intron after coding-DNA position 2613, TTGC inserted.
Molecular consequence: intron variant.
Genome position: GRCh38 VCF-style: chr1-237503509-C-CCTTG. GRCh37 (hg19) VCF-style: chr1-237666809-C-CCTTG.
Other names: c.2613+5_2613+6insTTGC (LRG_402t1).
Identifiers: ClinVar variation 532402 (VCV000532402.39), dbSNP rs747260754, ClinGen allele CA1474927.